The following is an entry in ClinVar:

ClinVar aggregate classification (germline): Uncertain significance. Review status: criteria provided, multiple submitters, no conflicts (2 of 4 stars). 3 submissions from 3 submitters: Uncertain significance (3). Last evaluated 2024-06-26.

Conditions:
Parkinsonian-pyramidal syndrome. Also called: PALLIDOPYRAMIDAL SYNDROME; PARKINSON DISEASE 15, AUTOSOMAL RECESSIVE; PARKINSON DISEASE 15, AUTOSOMAL RECESSIVE EARLY-ONSET. Identifiers: Orphanet 171695, MedGen C1850100, MONDO:0009830, OMIM 260300.

Allele frequency attached by ClinVar (database versions not stated): TOPMed 0.00003; ESP Exome Variant Server 0.00008; gnomAD exomes 0.00013 and 0.00018; 1000 Genomes Project 30x 0.00016; ExAC 0.00017; gnomAD 0.00017; 1000 Genomes Project 0.00020.

Submissions (3):

Labcorp Genetics (formerly Invitae), Labcorp
Classification: Uncertain significance for Parkinsonian-pyramidal syndrome. Last evaluated: 2024-06-26. Review status: criteria provided, single submitter. Criteria: Invitae Variant Classification Sherloc (09022015). Collection method: clinical testing. Allele origin: germline.
Comment: This sequence change replaces arginine, which is basic and polar, with tryptophan, which is neutral and slightly polar, at codon 518 of the FBXO7 protein (p.Arg518Trp). This variant is present in population databases (rs374363283, gnomAD 0.1%). This missense change has been observed in individual(s) with clinical features of Parkinson disease (PMID: 35861376). ClinVar contains an entry for this variant (Variation ID: 901100). Advanced modeling of protein sequence and biophysical properties (such as structural, functional, and spatial information, amino acid conservation, physicochemical variation, residue mobility, and thermodynamic stability) performed at Invitae indicates that this missense variant is not expected to disrupt FBXO7 protein function with a negative predictive value of 80%. In summary, the available evidence is currently insufficient to determine the role of this variant in disease. Therefore, it has been classified as a Variant of Uncertain Significance.

Illumina Laboratory Services, Illumina
Classification: Uncertain significance for Parkinsonian-pyramidal syndrome. Last evaluated: 2017-04-27. Review status: criteria provided, single submitter. Criteria: ICSL Variant Classification Criteria 13 December 2019. Collection method: clinical testing. Allele origin: germline.
Comment: This variant was observed as part of a predisposition screen in an ostensibly healthy population. A literature search was performed for the gene, cDNA change, and amino acid change (where applicable). Publications were found based on this search. However, the evidence from the literature, in combination with allele frequency data from public databases where available, was not sufficient to rule this variant in or out of causing disease. Therefore, this variant is classified as a variant of unknown significance.

Breakthrough Genomics
Classification: Uncertain significance. Review status: criteria provided, single submitter. Criteria: ACMG Guidelines, 2015. Collection method: not provided. Allele origin: germline. Inheritance: Autosomal dominant inheritance. Affected: yes.

Literature cited by the submitters: PubMed 35861376 (cited by Labcorp Genetics (formerly Invitae), Labcorp); PubMed 24112787 (cited by Illumina Laboratory Services, Illumina).

NM_012179.4(FBXO7):c.1552C>T (p.Arg518Trp)

Gene: FBXO7 (F-box protein 7; plus strand). Cytogenetic location: 22q12.3.
Variant type: single nucleotide variant.
Coding change: c.1552C>T on transcript NM_012179.4 (MANE Select); coding-DNA position 1552, C replaced by T.
Protein change: p.Arg518Trp; replaces arginine 518 with tryptophan.
Molecular consequence: missense variant.
Genome position (GRCh38, 1-based): chr22:32,498,513, C>T. VCF-style: chr22-32498513-C-T. GRCh37 (hg19) VCF-style: chr22-32894500-C-T.
Other names: c.1315C>T, p.Arg439Trp (NM_001033024.2); c.1210C>T, p.Arg404Trp (NM_001257990.2); short protein forms R404W, R439W, R518W.
Identifiers: ClinVar variation 901100 (VCV000901100.9), dbSNP rs374363283, ClinGen allele CA10201778.